The following is an entry in ClinVar:

NM_000051.4(ATM):c.7089+5G>A

Genes: ATM (ATM serine/threonine kinase; plus strand), C11orf65 (chromosome 11 open reading frame 65; minus strand). Cytogenetic location: 11q22.3.
Variant type: single nucleotide variant.
Coding change: c.7089+5G>A on transcript NM_000051.4 (MANE Select); 5 bases into the intron after coding-DNA position 7089, G replaced by A.
Molecular consequence: intron variant.
Genome position (GRCh38, 1-based): chr11:108,327,763, G>A. VCF-style: chr11-108327763-G-A. GRCh37 (hg19) VCF-style: chr11-108198490-G-A.
Other names: c.7089+5G>A (NM_001351834.2); c.641-18692C>T (NM_001330368.2); c.*38+7457C>T (NM_001351110.2).
Identifiers: ClinVar variation 490687 (VCV000490687.11), dbSNP rs1351209504, ClinGen allele CA658683745.

ClinVar aggregate classification (germline): Conflicting classifications of pathogenicity. Review status: criteria provided, conflicting classifications (1 of 4 stars). 3 submissions from 3 submitters: Uncertain significance (2); Likely benign (1). Last evaluated 2024-07-18.

Conditions:
Hereditary cancer-predisposing syndrome. Also called: Hereditary Cancer Syndrome; Neoplastic Syndromes, Hereditary; Tumor predisposition; Hereditary neoplastic syndrome. Identifiers: Orphanet 140162, MedGen C0027672, MeSH D009386, MONDO:0015356.
Ataxia-telangiectasia syndrome (AT). Also called: Cerebello-oculocutaneous telangiectasia; Immunodeficiency with ataxia telangiectasia; Ataxia-telangiectasia, complementation group E; Ataxia-telangiectasia, complementation group D; AT, COMPLEMENTATION GROUP C; ATAXIA-TELANGIECTASIA, COMPLEMENTATION GROUP A. Identifiers: Orphanet 100, MedGen C0004135, MONDO:0008840, OMIM 208900.

Submissions (3):

Ambry Genetics
Classification: Uncertain significance for Hereditary cancer-predisposing syndrome. Last evaluated: 2024-07-18. Review status: criteria provided, single submitter. Criteria: Ambry Variant Classification Scheme 2023. Collection method: clinical testing. Allele origin: germline.
Comment: The c.7089+5G>A intronic variant results from a G to A substitution 5 nucleotides after coding exon 47 in the ATM gene. This nucleotide position is well conserved in available vertebrate species. In silico splice site analysis predicts that this alteration will not have any significant effect on splicing. Based on the available evidence, the clinical significance of this variant remains unclear.

Labcorp Genetics (formerly Invitae), Labcorp
Classification: Uncertain significance for Ataxia-telangiectasia syndrome. Last evaluated: 2024-03-06. Review status: criteria provided, single submitter. Criteria: Invitae Variant Classification Sherloc (09022015). Collection method: clinical testing. Allele origin: germline.
Comment: This sequence change falls in intron 48 of the ATM gene. It does not directly change the encoded amino acid sequence of the ATM protein. It affects a nucleotide within the consensus splice site. This variant is not present in population databases (gnomAD no frequency). This variant has not been reported in the literature in individuals affected with ATM-related conditions. ClinVar contains an entry for this variant (Variation ID: 490687). Variants that disrupt the consensus splice site are a relatively common cause of aberrant splicing (PMID: 17576681, 9536098). Algorithms developed to predict the effect of sequence changes on RNA splicing suggest that this variant may disrupt the consensus splice site. In summary, the available evidence is currently insufficient to determine the role of this variant in disease. Therefore, it has been classified as a Variant of Uncertain Significance.

Color Diagnostics, LLC DBA Color Health
Classification: Likely benign for Hereditary cancer-predisposing syndrome. Last evaluated: 2016-12-22. Review status: criteria provided, single submitter. Criteria: ACMG Guidelines, 2015. Collection method: clinical testing. Allele origin: germline.

Literature cited by the submitters: PubMed 17576681 (cited by Labcorp Genetics (formerly Invitae), Labcorp); PubMed 9536098 (cited by Labcorp Genetics (formerly Invitae), Labcorp).